The following is an entry in ClinVar:

NM_005732.4(RAD50):c.368A>G (p.His123Arg)

Gene: RAD50 (RAD50 double strand break repair protein; plus strand). Cytogenetic location: 5q31.1.
Variant type: single nucleotide variant.
Coding change: c.368A>G on transcript NM_005732.4 (MANE Select); coding-DNA position 368, A replaced by G.
Protein change: p.His123Arg; replaces histidine 123 with arginine.
Molecular consequence: missense variant.
Genome position (GRCh38, 1-based): chr5:132,579,319, A>G. VCF-style: chr5-132579319-A-G. GRCh37 (hg19) VCF-style: chr5-131915011-A-G.
Other names: short protein forms H123R.
Identifiers: ClinVar variation 648318 (VCV000648318.12), dbSNP rs1185182721, ClinGen allele CA360933238.

ClinVar aggregate classification (germline): Uncertain significance. Review status: criteria provided, multiple submitters, no conflicts (2 of 4 stars). 2 submissions from 2 submitters: Uncertain significance (2). Last evaluated 2024-11-30.

Conditions:
Hereditary cancer-predisposing syndrome. Also called: Neoplastic Syndromes, Hereditary; Tumor predisposition; Hereditary Cancer Syndrome; Hereditary neoplastic syndrome. Identifiers: Orphanet 140162, MedGen C0027672, MeSH D009386, MONDO:0015356.

Allele frequency attached by ClinVar (database versions not stated): gnomAD exomes below 0.00001; gnomAD 0.00001.
gnomAD v4.1: 3 of 1,613,580 alleles (0.00019%); highest among the groups gnomAD compares: Admixed American, 0.0033%; no homozygotes.

Submissions (2):

Ambry Genetics
Classification: Uncertain significance for Hereditary cancer-predisposing syndrome. Last evaluated: 2024-11-30. Review status: criteria provided, single submitter. Criteria: Ambry Variant Classification Scheme 2023. Collection method: clinical testing. Allele origin: germline.
Comment: The p.H123R variant (also known as c.368A>G), located in coding exon 4 of the RAD50 gene, results from an A to G substitution at nucleotide position 368. The histidine at codon 123 is replaced by arginine, an amino acid with highly similar properties. This amino acid position is conserved. In addition, this alteration is predicted to be tolerated by in silico analysis. Based on the available evidence, the clinical significance of this variant remains unclear.

Labcorp Genetics (formerly Invitae), Labcorp
Classification: Uncertain significance for Hereditary cancer-predisposing syndrome. Last evaluated: 2019-07-24. Review status: criteria provided, single submitter. Criteria: Invitae Variant Classification Sherloc (09022015). Collection method: clinical testing. Allele origin: germline.
Comment: In summary, the available evidence is currently insufficient to determine the role of this variant in disease. Therefore, it has been classified as a Variant of Uncertain Significance. Algorithms developed to predict the effect of missense changes on protein structure and function are either unavailable or do not agree on the potential impact of this missense change (SIFT: "Tolerated"; PolyPhen-2: "Possibly Damaging"; Align-GVGD: "Class C0"). This variant has not been reported in the literature in individuals with RAD50-related disease. This variant is not present in population databases (ExAC no frequency). This sequence change replaces histidine with arginine at codon 123 of the RAD50 protein (p.His123Arg). The histidine residue is moderately conserved and there is a small physicochemical difference between histidine and arginine.